The following is an entry in ClinVar:

GRCh38/hg38 4q35.2(chr4:189185703-189254661)x3

Variant type: copy number gain.
Change: copy number 3 (three copies instead of two) of chr4:189,185,703-189,254,661 (69.0 kb, GRCh38 coordinates, 1-based), cytogenetic band 4q35.2.
Identifiers: ClinVar variation 57366 (VCV000057366.1).

ClinVar aggregate classification (germline): Benign (1 of 4 stars; one submission).

Submission:

ISCA site 4
Classification: Benign. Last evaluated: 2011-08-12. Review status: criteria provided, single submitter. Criteria: Kaminsky et al. (Genet Med. 2011). Collection method: clinical testing. Allele origin: unknown. Affected: yes. Observed: 1 variant allele.
Comment: Copy number variation identified through the course of routine clinical cytogenomic testing in postnatal populations. Clinical assertions have been curated as described in Kaminsky et al. 2011.